The following is an entry in ClinVar:

NM_000222.3(KIT):c.1506_1520del (p.Tyr503_Ala507del)

Gene: KIT (KIT proto-oncogene, receptor tyrosine kinase; plus strand). Cytogenetic location: 4q12.
Variant type: Deletion.
Coding change: c.1506_1520del on transcript NM_000222.3 (MANE Select); coding-DNA positions 1506 to 1520, 15 bases deleted (CTATTTTAACTTTGC).
Protein change: p.Tyr503_Ala507del.
Molecular consequence: inframe indel (on NM_000222.2).
Genome position (GRCh38, 1-based): chr4:54,726,016-54,726,030, CTATTTTAACTTTGC deleted; deleting any 15 consecutive bases within chr4:54,726,013-54,726,030 gives the same sequence; the c. name uses the placement nearest the transcript's 3' end. VCF-style (leftmost placement, unchanged base first): chr4-54726012-CTGCCTATTTTAACTT-C. GRCh37 (hg19) VCF-style: chr4-55592178-CTGCCTATTTTAACTT-C.
Other names: c.1506_1520del15 (NM_000222.2); c.1506_1520del, p.Tyr503_Ala507del (NM_001093772.2, NM_001385285.1, NM_001385286.1); c.1509_1523del, p.Tyr504_Ala508del (NM_001385284.1, NM_001385288.1, NM_001385290.1 and 1 more transcripts).
Identifiers: ClinVar variation 4825608 (VCV004825608.1).

ClinVar aggregate classification (germline): Uncertain significance (1 of 4 stars; one submission).

Conditions:
Hereditary cancer-predisposing syndrome. Also called: Neoplastic Syndromes, Hereditary; Tumor predisposition; Hereditary Cancer Syndrome; Hereditary neoplastic syndrome. Identifiers: Orphanet 140162, MedGen C0027672, MeSH D009386, MONDO:0015356.

Submission:

Ambry Genetics
Classification: Uncertain significance for Hereditary cancer-predisposing syndrome. Last evaluated: 2026-02-06. Review status: criteria provided, single submitter. Criteria: Ambry Variant Classification Scheme 2023. Collection method: clinical testing. Allele origin: germline.
Comment: The c.1506_1520del15 variant (also known as p.Y503_A507del) is located in coding exon 9 of the KIT gene. This variant results from an in-frame CTATTTTAACTTTGC deletion at nucleotide positions 1506 to 1520. This results in the in-frame deletion of five amino acids at codons 503 to 507. This amino acid region is not well conserved in available vertebrate species. In addition, this variant is predicted to be deleterious by in silico analysis (Choi Y et al. PLoS ONE. 2012; 7(10):e46688). Based on the available evidence, the clinical significance of this variant remains unclear.